The following is an entry in ClinVar:

NM_001330311.2(DVL1):c.1871T>A (p.Leu624His)

Gene: DVL1 (dishevelled segment polarity protein 1; minus strand). Cytogenetic location: 1p36.33.
Variant type: single nucleotide variant.
Coding change: c.1871T>A on transcript NM_001330311.2 (MANE Select); coding-DNA position 1871, T replaced by A.
Protein change: p.Leu624His; replaces leucine 624 with histidine.
Molecular consequence: missense variant.
Genome position (GRCh38, 1-based): chr1:1,336,359, A>T on the plus strand (T>A on the coding strand, the complement: DVL1 is on the minus strand). VCF-style: chr1-1336359-A-T. GRCh37 (hg19) VCF-style: chr1-1271739-A-T.
Other names: c.1796T>A, p.Leu599His (NM_004421.3); short protein forms L624H, L599H.
Identifiers: ClinVar variation 3021956 (VCV003021956.3), dbSNP rs1414740270, ClinGen allele CA337856090.

ClinVar aggregate classification (germline): Uncertain significance (1 of 4 stars; one submission).

Submission:

Labcorp Genetics (formerly Invitae), Labcorp
Classification: Uncertain significance. Last evaluated: 2023-05-24. Review status: criteria provided, single submitter. Criteria: Invitae Variant Classification Sherloc (09022015). Collection method: clinical testing. Allele origin: germline.
Comment: This sequence change replaces leucine, which is neutral and non-polar, with histidine, which is basic and polar, at codon 599 of the DVL1 protein (p.Leu599His). Advanced modeling of protein sequence and biophysical properties (such as structural, functional, and spatial information, amino acid conservation, physicochemical variation, residue mobility, and thermodynamic stability) performed at Invitae indicates that this missense variant is not expected to disrupt DVL1 protein function. This variant has not been reported in the literature in individuals affected with DVL1-related conditions. The frequency data for this variant in the population databases is considered unreliable, as metrics indicate poor data quality at this position in the gnomAD database. In summary, the available evidence is currently insufficient to determine the role of this variant in disease. Therefore, it has been classified as a Variant of Uncertain Significance.